The following is an entry in ClinVar:

ClinVar aggregate classification (germline): Benign. Review status: criteria provided, multiple submitters, no conflicts (2 of 4 stars). 3 submissions from 3 submitters: Benign (3). Last evaluated 2023-11-12.

Conditions:
Combined immunodeficiency due to DOCK8 deficiency (HIES2). Also called: Hyper-IgE recurrent infection syndrome, autosomal recessive; HYPER-IgE SYNDROME 2, AUTOSOMAL RECESSIVE, WITH RECURRENT INFECTIONS; HIES autosomal recessive; HYPER-IgE RECURRENT INFECTION SYNDROME 2, AUTOSOMAL RECESSIVE; DOCK8 Deficiency. Identifiers: Orphanet 217390, MedGen C4722305, MONDO:0009478, OMIM 243700.

Allele frequency attached by ClinVar (database versions not stated): gnomAD 0.67848 and 0.68042; TOPMed 0.67999; gnomAD exomes 0.68395; 1000 Genomes Project 0.69828; 1000 Genomes Project 30x 0.69925.

Submissions (3):

Unidad de Genómica Garrahan, Hospital de Pediatría Garrahan
Classification: Benign. Last evaluated: 2023-11-12. Review status: criteria provided, single submitter. Criteria: ACMG Guidelines, 2015. Collection method: clinical testing. Allele origin: germline. Affected: no. Observed: 67 variant alleles.
Comment: This variant is classified as Benign based on local population frequency. This variant was detected in 70% of patients studied by a panel of primary immunodeficiencies. Number of patients: 67. Only high quality variants are reported.

Genome-Nilou Lab
Classification: Benign for Combined immunodeficiency due to DOCK8 deficiency. Last evaluated: 2021-07-14. Review status: criteria provided, single submitter. Criteria: ACMG Guidelines, 2015. Collection method: clinical testing. Allele origin: germline. Affected: no.

GeneDx
Classification: Benign. Last evaluated: 2018-06-26. Review status: criteria provided, single submitter. Criteria: GeneDx Variant Classification Process June 2021. Collection method: clinical testing. Allele origin: germline. Affected: yes.

NM_203447.4(DOCK8):c.894+74_894+75insC

Gene: DOCK8 (dedicator of cytokinesis 8; plus strand). Cytogenetic location: 9p24.3.
Variant type: Insertion.
Coding change: c.894+74_894+75insC on transcript NM_203447.4 (MANE Select); bases 74 to 75 of the intron after coding-DNA position 894, C inserted.
Molecular consequence: intron variant.
Genome position: GRCh38 VCF-style: chr9-325811-T-TC. GRCh37 (hg19) VCF-style: chr9-325811-T-TC.
Other names: c.690+74_690+75insC (NM_001193536.2, NM_001190458.2).
Identifiers: ClinVar variation 1185499 (VCV001185499.6), dbSNP rs3831138, ClinGen allele CA187748003.